The following is an entry in ClinVar:

ClinVar aggregate classification (germline): Uncertain significance (1 of 4 stars; one submission).

Conditions:
Cardiovascular phenotype. Identifiers: MedGen CN230736.

Allele frequency attached by ClinVar (database versions not stated): gnomAD exomes below 0.00001; ExAC 0.00001; gnomAD 0.00003; TOPMed 0.00004.

Submission:

Ambry Genetics
Classification: Uncertain significance for Cardiovascular phenotype. Last evaluated: 2020-05-14. Review status: criteria provided, single submitter. Criteria: Ambry Variant Classification Scheme 2023. Collection method: clinical testing. Allele origin: germline.
Comment: The p.K23584T variant (also known as c.70751A>C), located in coding exon 178 of the TTN gene, results from an A to C substitution at nucleotide position 70751. The lysine at codon 23584 is replaced by threonine, an amino acid with similar properties. This amino acid position is well conserved in available vertebrate species. In addition, this alteration is predicted to be tolerated by in silico analysis. Since supporting evidence is limited at this time, the clinical significance of this alteration remains unclear.

NM_001267550.2(TTN):c.97946A>C (p.Lys32649Thr)

Genes: TTN (titin; minus strand), TTN-AS1 (TTN antisense RNA 1; plus strand). Cytogenetic location: 2q31.2.
Variant type: single nucleotide variant.
Coding change: c.97946A>C on transcript NM_001267550.2 (MANE Select); coding-DNA position 97946, A replaced by C.
Protein change: p.Lys32649Thr; replaces lysine 32649 with threonine.
Molecular consequence: missense variant.
Genome position (GRCh38, 1-based): chr2:178,540,220, T>G on the plus strand (A>C on the coding strand, the complement: TTN is on the minus strand). VCF-style: chr2-178540220-T-G. GRCh37 (hg19) VCF-style: chr2-179404947-T-G.
Other names: c.93023A>C, p.Lys31008Thr (NM_001256850.1); c.70751A>C, p.Lys23584Thr (NM_003319.4); c.90242A>C, p.Lys30081Thr (NM_133378.4); c.71126A>C, p.Lys23709Thr (NM_133432.3); c.71327A>C, p.Lys23776Thr (NM_133437.4); short protein forms K23709T, K23776T, K32649T, K30081T, K31008T, K23584T.
Identifiers: ClinVar variation 1757019 (VCV001757019.2), dbSNP rs759201494, ClinGen allele CA1986464.